The following is an entry in ClinVar:

NM_005529.7(HSPG2):c.6603G>A (p.Ser2201=)

Genes: HSPG2 (heparan sulfate proteoglycan 2; minus strand), LOC126805655 (CDK7 strongly-dependent group 2 enhancer GRCh37_chr1:22178409-22179608; plus strand). Cytogenetic location: 1p36.12.
Variant type: single nucleotide variant.
Coding change: c.6603G>A on transcript NM_005529.7 (MANE Select); coding-DNA position 6603, G replaced by A.
Protein change: p.Ser2201=; no amino-acid change (serine 2201 retained).
Molecular consequence: synonymous variant.
Genome position (GRCh38, 1-based): chr1:21,852,821, C>T on the plus strand (G>A on the coding strand, the complement: HSPG2 is on the minus strand). VCF-style: chr1-21852821-C-T. GRCh37 (hg19) VCF-style: chr1-22179314-C-T.
Other names: c.6606G>A, p.Ser2202= (NM_001291860.2).
Identifiers: ClinVar variation 2170270 (VCV002170270.11), dbSNP rs751596833, ClinGen allele CA671476.

ClinVar aggregate classification (germline): Likely benign. Review status: criteria provided, multiple submitters, no conflicts (2 of 4 stars). 2 submissions from 2 submitters: Likely benign (2). Last evaluated 2025-09-01.

Allele frequency attached by ClinVar (database versions not stated): gnomAD exomes 0.00001; TOPMed 0.00002; gnomAD 0.00003.
gnomAD v4.1: 20 of 1,610,220 alleles (0.0012%); highest among the groups gnomAD compares: East Asian, 0.016%; no homozygotes.

Submissions (2):

CeGaT Center for Human Genetics Tuebingen
Classification: Likely benign. Last evaluated: 2025-09-01. Review status: criteria provided, single submitter. Criteria: CeGaT Center For Human Genetics Tuebingen Variant Classification Criteria Version 2. Collection method: clinical testing. Allele origin: germline. Affected: yes. Observed: 1 variant allele.
Comment: HSPG2: BP4, BP7

Labcorp Genetics (formerly Invitae), Labcorp
Classification: Likely benign. Last evaluated: 2022-07-05. Review status: criteria provided, single submitter. Criteria: Invitae Variant Classification Sherloc (09022015). Collection method: clinical testing. Allele origin: germline.